The following is an entry in ClinVar:

ClinVar aggregate classification (germline): Likely pathogenic (1 of 4 stars; one submission).

Conditions:
Developmental delay with variable intellectual impairment and behavioral abnormalities. Identifiers: MedGen C5193092, MONDO:0032745, OMIM 618430.

Submission:

Institute of Human Genetics, University of Leipzig Medical Center
Classification: Likely pathogenic for Developmental delay with variable intellectual impairment and behavioral abnormalities. Last evaluated: 2025-07-15. Review status: criteria provided, single submitter. Criteria: ACMG Guidelines, 2015. Collection method: clinical testing. Allele origin: unknown. Inheritance: Autosomal dominant inheritance. Affected: yes.
Comment: Criteria applied: PVS1,PM2_SUP

NM_001378418.1(TCF20):c.4682dup (p.Gln1562fs)

Gene: TCF20 (transcription factor 20; minus strand). Cytogenetic location: 22q13.2.
Variant type: Duplication.
Coding change: c.4682dup on transcript NM_001378418.1 (MANE Select); coding-DNA position 4682, one base duplicated (C; older notation c.4682dupC).
Protein change: p.Gln1562fs; shifts the reading frame from glutamine 1562.
Molecular consequence: frameshift variant.
Genome position (GRCh38, 1-based): chr22:42,210,624, G duplicated on the plus strand (C on the coding strand, the reverse complement: TCF20 is on the minus strand); the first of 5 consecutive G bases (chr22:42,210,624-42,210,628); duplicating any one gives the same sequence. VCF-style (leftmost placement, unchanged base first): chr22-42210623-A-AG. GRCh37 (hg19) VCF-style: chr22-42606629-A-AG.
Other names: c.4682dup, p.Gln1562fs (NM_005650.4, NM_181492.3); short protein forms Q1562fs.
Identifiers: ClinVar variation 4082339 (VCV004082339.1).
Genomic context (GRCh38, chr22:42,210,623, plus strand): 5'-CCTCTGTTTTTTTGGCTTTGGCTCTCCATCTGCAGAACCTTCTGGTATCTGTGGGGGCTG[A>AG]GGGGGTGGAGGCGGTGGCTGCTGCTGTTTCTTTTGCTTATTCACACTACCAATGGGTCTC-3'